The following is an entry in ClinVar:

NM_183357.3(ADCY5):c.1285-6C>T

Gene: ADCY5 (adenylate cyclase 5; minus strand). Cytogenetic location: 3q21.1.
Variant type: single nucleotide variant.
Coding change: c.1285-6C>T on transcript NM_183357.3 (MANE Select); 6 bases into the intron before coding-DNA position 1285, C replaced by T.
Molecular consequence: intron variant.
Genome position (GRCh38, 1-based): chr3:123,347,909, G>A on the plus strand (C>T on the coding strand, the complement: ADCY5 is on the minus strand). VCF-style: chr3-123347909-G-A. GRCh37 (hg19) VCF-style: chr3-123066756-G-A.
Other names: c.1285-6C>T (NM_001378259.1); c.235-6C>T (NM_001199642.1).
Identifiers: ClinVar variation 697629 (VCV000697629.48), dbSNP rs77442307, ClinGen allele CA2577489.

ClinVar aggregate classification (germline): Benign/Likely benign. Review status: criteria provided, multiple submitters, no conflicts (2 of 4 stars). 8 submissions from 6 submitters: Benign (4); Likely benign (3). 1 of the submissions does not count toward it. Last evaluated 2026-09-01.

Conditions:
ADCY5-related disorder. Also called: ADCY5-related condition.
Inborn genetic diseases. Identifiers: MedGen C0950123, MeSH D030342.
Dyskinesia with orofacial involvement, autosomal recessive. Identifiers: MedGen C5562036, MONDO:0030625, OMIM 619647.
Neurodevelopmental disorder with hyperkinetic movements and dyskinesia. Identifiers: MedGen C5562038, MONDO:0859211, OMIM 619651.
Dyskinesia with orofacial involvement, autosomal dominant (DSKOD). Also called: Familial Dyskinesia with Facial Myokymia (FDFM); Familial dyskinesia and facial myokymia; Dyskinesia, familial, with facial myokymia. Identifiers: Orphanet 324588, MedGen C1847627, MONDO:0800028, OMIM 606703.

Allele frequency attached by ClinVar (database versions not stated): 1000 Genomes Project 0.00180; 1000 Genomes Project 30x 0.00219; ESP Exome Variant Server 0.00392; TOPMed 0.00393; gnomAD exomes 0.00454; gnomAD 0.00458 and 0.00468; ExAC 0.00510.
gnomAD v4.1: 10,343 of 1,614,122 alleles (0.64%); highest among the groups gnomAD compares: Non-Finnish European, 0.79%; 58 homozygotes.

Submissions (8):

CeGaT Center for Human Genetics Tuebingen
Classification: Likely benign. Last evaluated: 2026-09-01. Review status: criteria provided, single submitter. Criteria: CeGaT Center For Human Genetics Tuebingen Variant Classification Criteria Version 2. Collection method: clinical testing. Allele origin: germline. Affected: yes. Observed: 25 variant alleles.
Comment: ADCY5: BP4, BS2

Labcorp Genetics (formerly Invitae), Labcorp
Classification: Benign. Last evaluated: 2026-01-19. Review status: criteria provided, single submitter. Criteria: Invitae Variant Classification Sherloc (09022015). Collection method: clinical testing. Allele origin: germline.

Genome-Nilou Lab
Classification: Benign for Dyskinesia with orofacial involvement, autosomal dominant. Last evaluated: 2021-12-05. Review status: criteria provided, single submitter. Criteria: ACMG Guidelines, 2015. Collection method: clinical testing. Allele origin: germline. Affected: no.

Genome-Nilou Lab
Classification: Benign for Dyskinesia with orofacial involvement, autosomal recessive. Last evaluated: 2021-12-05. Review status: criteria provided, single submitter. Criteria: ACMG Guidelines, 2015. Collection method: clinical testing. Allele origin: germline. Affected: no.

Genome-Nilou Lab
Classification: Benign for Neurodevelopmental disorder with hyperkinetic movements and dyskinesia. Last evaluated: 2021-12-05. Review status: criteria provided, single submitter. Criteria: ACMG Guidelines, 2015. Collection method: clinical testing. Allele origin: germline. Affected: no.

Ambry Genetics
Classification: Likely benign for Inborn genetic diseases. Last evaluated: 2021-11-19. Review status: criteria provided, single submitter. Criteria: Ambry Variant Classification Scheme 2023. Collection method: clinical testing. Allele origin: germline.

GeneDx
Classification: Likely benign. Last evaluated: 2021-03-09. Review status: criteria provided, single submitter. Criteria: GeneDx Variant Classification Process June 2021. Collection method: clinical testing. Allele origin: germline. Affected: yes.

PreventionGenetics, part of Exact Sciences
Classification: Benign for ADCY5-related condition. Last evaluated: 2019-06-03. Review status: no assertion criteria provided. Collection method: clinical testing. Allele origin: germline. Not counted in ClinVar's aggregate classification.
Comment: This variant is classified as benign based on ACMG/AMP sequence variant interpretation guidelines (Richards et al. 2015 PMID: 25741868, with internal and published modifications).